The following is an entry in ClinVar:

ClinVar aggregate classification (germline): Pathogenic/Likely pathogenic. Review status: criteria provided, multiple submitters, no conflicts (2 of 4 stars). 4 submissions from 4 submitters: Pathogenic (1); Likely pathogenic (2). 1 of the submissions does not count toward it. Last evaluated 2026-01-11.

Conditions:
Primary hyperoxaluria type 3. Also called: PH III. Identifiers: Orphanet 416, Orphanet 93600, MedGen C3150878, MONDO:0013327, OMIM 613616. Disease mechanism: loss of function.

Submissions (4):

Natera, Inc.
Classification: Likely pathogenic for Primary hyperoxaluria type III. Last evaluated: 2026-01-11. Review status: criteria provided, single submitter. Criteria: Natera Variant Classification Schema (03/2026). Collection method: clinical testing. Allele origin: germline.
Comment: The c.413del variant in HOGA1 is a frameshift variant predicted to shift the reading frame beginning at codon 138 and leads to a stop codon 8 codons downstream. This variant is expected to result in nonsense mediated decay, truncation, or a dysfunctional protein product. This variant is rare in the general population with a frequency below the threshold expected for the associated phenotype(s). Given the available evidence, this variant is classified as Likely Pathogenic.

Fulgent Genetics
Classification: Likely pathogenic for Primary hyperoxaluria type 3. Last evaluated: 2024-03-13. Review status: criteria provided, single submitter. Criteria: ACMG Guidelines, 2015. Collection method: clinical testing. Allele origin: germline.

Labcorp Genetics (formerly Invitae), Labcorp
Classification: Pathogenic. Last evaluated: 2023-09-29. Review status: criteria provided, single submitter. Criteria: Invitae Variant Classification Sherloc (09022015). Collection method: clinical testing. Allele origin: germline.
Comment: This sequence change creates a premature translational stop signal (p.Pro138Leufs*8) in the HOGA1 gene. It is expected to result in an absent or disrupted protein product. Loss-of-function variants in HOGA1 are known to be pathogenic (PMID: 22391140, 22781098). For these reasons, this variant has been classified as Pathogenic. ClinVar contains an entry for this variant (Variation ID: 551923). This variant has not been reported in the literature in individuals affected with HOGA1-related conditions. This variant is present in population databases (rs777683624, gnomAD 0.007%).

Counsyl
Classification: Likely pathogenic for Primary hyperoxaluria type 3. Last evaluated: 2017-05-12. Review status: no assertion criteria provided. Collection method: clinical testing. Allele origin: unknown. Not counted in ClinVar's aggregate classification.

Literature cited by the submitters: PubMed 22391140 (cited by Labcorp Genetics (formerly Invitae), Labcorp); PubMed 22781098 (cited by Labcorp Genetics (formerly Invitae), Labcorp).

NM_138413.4(HOGA1):c.413del (p.Pro138fs)

Gene: HOGA1 (4-hydroxy-2-oxoglutarate aldolase 1; plus strand). Cytogenetic location: 10q24.2.
Variant type: Deletion.
Coding change: c.413del on transcript NM_138413.4 (MANE Select); coding-DNA position 413, one base deleted (C; older notation c.413delC).
Protein change: p.Pro138fs; shifts the reading frame from proline 138.
Molecular consequence: frameshift variant. On other transcripts: intron variant (1).
Genome position (GRCh38, 1-based): chr10:97,599,161, C deleted; the last of 4 consecutive C bases (chr10:97,599,158-97,599,161); deleting any one gives the same sequence. VCF-style (leftmost placement, unchanged base first): chr10-97599157-AC-A. GRCh37 (hg19) VCF-style: chr10-99358914-AC-A.
Other names: c.212-2696del (NM_001134670.2); c.413del (NM_138413.3); short protein forms P138fs.
Identifiers: ClinVar variation 551923 (VCV000551923.7), dbSNP rs777683624, ClinGen allele CA5634094.